The following is an entry in ClinVar:

ClinVar aggregate classification (germline): Uncertain significance (1 of 4 stars; one submission).

Conditions:
Congenital factor V deficiency. Also called: OWREN PARAHEMOPHILIA; PARAHEMOPHILIA; LABILE FACTOR DEFICIENCY; Hereditary factor V deficiency disease. Identifiers: Orphanet 326, MedGen C0015499, MONDO:0009210, OMIM 227400.

Submission:

Labcorp Genetics (formerly Invitae), Labcorp
Classification: Uncertain significance for Congenital factor V deficiency. Last evaluated: 2025-09-03. Review status: criteria provided, single submitter. Criteria: Invitae Variant Classification Sherloc (09022015). Collection method: clinical testing. Allele origin: germline.
Comment: This sequence change replaces aspartic acid, which is acidic and polar, with tyrosine, which is neutral and polar, at codon 181 of the F5 protein (p.Asp181Tyr). This variant is present in population databases (rs766643747, gnomAD 0.0009%). This variant has not been reported in the literature in individuals affected with F5-related conditions. ClinVar contains an entry for this variant (Variation ID: 3627597). Invitae Evidence Modeling of protein sequence and biophysical properties (such as structural, functional, and spatial information, amino acid conservation, physicochemical variation, residue mobility, and thermodynamic stability) indicates that this missense variant is expected to disrupt F5 protein function with a positive predictive value of 80%. In summary, the available evidence is currently insufficient to determine the role of this variant in disease. Therefore, it has been classified as a Variant of Uncertain Significance.

NM_000130.5(F5):c.541G>T (p.Asp181Tyr)

Gene: F5 (coagulation factor V; minus strand). Cytogenetic location: 1q24.2.
Variant type: single nucleotide variant.
Coding change: c.541G>T on transcript NM_000130.5 (MANE Select); coding-DNA position 541, G replaced by T.
Protein change: p.Asp181Tyr; replaces aspartic acid 181 with tyrosine.
Molecular consequence: missense variant.
Genome position (GRCh38, 1-based): chr1:169,560,599, C>A on the plus strand (G>T on the coding strand, the complement: F5 is on the minus strand). VCF-style: chr1-169560599-C-A. GRCh37 (hg19) VCF-style: chr1-169529837-C-A.
Other names: short protein forms D181Y.
Identifiers: ClinVar variation 3627597 (VCV003627597.2).
Genomic context (GRCh38, chr1:169,560,599, plus strand): 5'-TGGGGGTGTTCTTACCTTTTTTACAGATAAGCAGGGGCCCAATCAGCCCCGAGTTGAAAT[C>A]CTCGATCAGATTTTCATGGGAGTAATAGATGTGTGTGAGGCATGGAGGGTCATCATGGGT-3'
Protein context (NP_000121.2, residues 171-191): IYYSHENLIE[Asp181Tyr]FNSGLIGPLL